The following is an entry in ClinVar:

NM_001166108.2(PALLD):c.782C>G (p.Pro261Arg)

Gene: PALLD (palladin, cytoskeletal associated protein; plus strand). Cytogenetic location: 4q32.3.
Variant type: single nucleotide variant.
Coding change: c.782C>G on transcript NM_001166108.2 (MANE Select); coding-DNA position 782, C replaced by G.
Protein change: p.Pro261Arg; replaces proline 261 with arginine.
Molecular consequence: missense variant.
Genome position (GRCh38, 1-based): chr4:168,512,286, C>G. VCF-style: chr4-168512286-C-G. GRCh37 (hg19) VCF-style: chr4-169433437-C-G.
Other names: c.782C>G, p.Pro261Arg (NM_016081.4); short protein forms P261R.
Identifiers: ClinVar variation 1760798 (VCV001760798.3), dbSNP rs1762594222, ClinGen allele CA358728342.

ClinVar aggregate classification (germline): Uncertain significance (1 of 4 stars; one submission).

gnomAD v4.1: 1 of 1,614,166 alleles (0.000062%); highest among the groups gnomAD compares: Non-Finnish European, 0.000085%; no homozygotes.

Submission:

Ambry Genetics
Classification: Uncertain significance. Last evaluated: 2024-04-20. Review status: criteria provided, single submitter. Criteria: Ambry Variant Classification Scheme 2023. Collection method: clinical testing. Allele origin: germline.
Comment: The p.P261R variant (also known as c.782C>G), located in coding exon 1 of the PALLD gene, results from a C to G substitution at nucleotide position 782. The proline at codon 261 is replaced by arginine, an amino acid with dissimilar properties. This amino acid position is conserved. In addition, this alteration is predicted to be tolerated by in silico analysis. Since supporting evidence is limited at this time, the clinical significance of this alteration remains unclear.